The following is an entry in ClinVar:

NM_004655.4(AXIN2):c.2405+209G>A

Gene: AXIN2 (axin 2; minus strand). Cytogenetic location: 17q24.1.
Variant type: single nucleotide variant.
Coding change: c.2405+209G>A on transcript NM_004655.4 (MANE Select); 209 bases into the intron after coding-DNA position 2405, G replaced by A.
Molecular consequence: intron variant.
Genome position (GRCh38, 1-based): chr17:65,533,703, C>T on the plus strand (G>A on the coding strand, the complement: AXIN2 is on the minus strand). VCF-style: chr17-65533703-C-T. GRCh37 (hg19) VCF-style: chr17-63529821-C-T.
Other names: c.2210+209G>A (NM_001363813.1).
Identifiers: ClinVar variation 679667 (VCV000679667.1), dbSNP rs11651031, ClinGen allele CA14384061.
Genomic context (GRCh38, chr17:65,533,703, plus strand): 5'-CTCCTCAGTCTGGTTCACCTGGTGGAAAGAGCCTGGCCAGGTCCCCCAGAGAACCCTCCA[C>T]GCAGCCTCCCTCTTGCGGCTGCTGCTTCGTTATTGCTGCTAGCGGTGAGGGGAGAGAAGA-3'

ClinVar aggregate classification (germline): Benign (1 of 4 stars; one submission).

Allele frequency attached by ClinVar (database versions not stated): 1000 Genomes Project 30x 0.72205; 1000 Genomes Project 0.72304; TOPMed 0.73118.
gnomAD v4.1: 111,547 of 152,038 alleles (73%); highest among the groups gnomAD compares: Middle Eastern, 85%; 41,790 homozygotes.

Submission:

GeneDx
Classification: Benign. Last evaluated: 2018-06-20. Review status: criteria provided, single submitter. Criteria: GeneDx Variant Classification (06012015). Collection method: clinical testing. Allele origin: germline. Affected: yes.
Comment: This variant is considered likely benign or benign based on one or more of the following criteria: it is a conservative change, it occurs at a poorly conserved position in the protein, it is predicted to be benign by multiple in silico algorithms, and/or has population frequency not consistent with disease.